The following is an entry in ClinVar:

ClinVar aggregate classification (germline): Uncertain significance. Review status: criteria provided, multiple submitters, no conflicts (2 of 4 stars). 3 submissions from 3 submitters: Uncertain significance (2). 1 of the submissions does not count toward it. Last evaluated 2024-07-08.

Conditions:
Leukoencephalopathy with calcifications and cysts. Also called: LABRUNE SYNDROME; Leukoencephalopathy, brain calcifications, and cysts. Identifiers: Orphanet 542310, MedGen C3281200, MONDO:0013803, OMIM 614561.

Allele frequency attached by ClinVar (database versions not stated): TOPMed 0.00002; gnomAD 0.00004 and 0.00005; ExAC 0.00005; ESP Exome Variant Server 0.00017.
gnomAD v4.1: 38 of 765,248 alleles (0.005%); highest among the groups gnomAD compares: Middle Eastern, 0.023%; no homozygotes.

Submissions (3):

Blueprint Genetics
Classification: Uncertain significance. Last evaluated: 2024-07-08. Review status: criteria provided, single submitter. Criteria: ACMG Guidelines, 2015. Collection method: clinical testing. Allele origin: germline.

Labcorp Genetics (formerly Invitae), Labcorp
Classification: Uncertain significance. Last evaluated: 2023-12-06. Review status: criteria provided, single submitter. Criteria: Invitae Variant Classification Sherloc (09022015). Collection method: clinical testing. Allele origin: germline.
Comment: This variant occurs in the SNORD118 gene, which encodes an RNA molecule that does not result in a protein product. This variant is present in population databases (rs372721948, gnomAD 0.01%). This variant has been observed in individual(s) with clinical features of cerebral microangiopathy leukoencephalopathy with calcifications and cysts (PMID: 33029936). ClinVar contains an entry for this variant (Variation ID: 929278). Experimental studies and prediction algorithms are not available or were not evaluated, and the functional significance of this variant is currently unknown. In summary, the available evidence is currently insufficient to determine the role of this variant in disease. Therefore, it has been classified as a Variant of Uncertain Significance.

Laboratory of Neurogenetics and Neuroinflammation, Institut Imagine
Classification: Pathogenic for Leukoencephalopathy, brain calcifications, and cysts. Last evaluated: 2020-04-06. Review status: no assertion criteria provided. Collection method: clinical testing. Allele origin: germline. Affected: yes. Observed: 1 variant allele. Not counted in ClinVar's aggregate classification.

Literature cited by the submitters: PubMed 33029936 (cited by Labcorp Genetics (formerly Invitae), Labcorp).

NR_033294.2(SNORD118):n.74G>A

Genes: SNORD118 (small nucleolar RNA, C/D box 118; minus strand), TMEM107 (transmembrane protein 107; minus strand). Cytogenetic location: 17p13.1.
Variant type: single nucleotide variant.
Molecular consequence: non-coding transcript variant (on NR_033294.2). On other transcripts: 3 prime UTR variant (5).
Genome position: GRCh38 VCF-style: chr17-8173515-C-T. GRCh37 (hg19) VCF-style: chr17-8076833-C-T.
Other names: c.*688G>A (NM_001351278.2, NM_001351279.2, NM_001351280.2 and 2 more transcripts).
Identifiers: ClinVar variation 929278 (VCV000929278.4), dbSNP rs372721948, ClinGen allele CA8370677.